The following is an entry in ClinVar:

NM_001034853.2(RPGR):c.473del (p.Asp158fs)

Gene: RPGR (retinitis pigmentosa GTPase regulator; minus strand). Cytogenetic location: Xp11.4.
Variant type: Deletion.
Coding change: c.473del on transcript NM_001034853.2 (MANE Select); coding-DNA position 473, one base deleted (A; older notation c.473delA).
Protein change: p.Asp158fs; shifts the reading frame from aspartic acid 158.
Molecular consequence: frameshift variant. On other transcripts: non-coding transcript variant (6).
Genome position (GRCh38, 1-based): chrX:38,317,462, T deleted on the plus strand (A on the coding strand, the reverse complement: RPGR is on the minus strand). VCF-style (leftmost placement, unchanged base first): chrX-38317461-AT-A. GRCh37 (hg19) VCF-style: chrX-38176714-AT-A.
Other names: c.503del, p.Asp168fs (NM_001367248.1); c.470del, p.Asp157fs (NM_001367249.1); c.473del, p.Asp158fs (NM_001367250.1, NM_001367251.1, NM_001367245.1 and 3 more transcripts); short protein forms D157fs, D158fs, D168fs.
Identifiers: ClinVar variation 5038047 (VCV005038047.1).
Genomic context (GRCh38, chrX:38,317,461, plus strand): 5'-ACTTACATTTTTTAAACCAATTTGCCCTTCGGAATTGTCACCCCACATAAAAAGTCTTCC[AT>A]CCTCTATAAAGAAAAATAAAAGGGGGAGAAAAGGTTTTAAAAGGTAGCCAGGCTCTGAAG-3'

ClinVar aggregate classification (germline): Likely pathogenic (3 of 4 stars; one submission).

Conditions:
RPGR-related retinopathy. Also called: RPGR retinopathy. Identifiers: MedGen CN305589, MONDO:0100437.

Submission:

ClinGen X-linked Inherited Retinal Disease Variant Curation Expert Panel, ClinGen
Classification: Likely pathogenic for RPGR-related retinopathy. Last evaluated: 2026-10-30. Review status: reviewed by expert panel. Criteria: ClinGen X LinkedIRD ACMG Specifications RPGR V1.0.0. Collection method: curation. Allele origin: germline. Inheritance: X-linked inheritance.
Comment: NM_001034853.2(RPGR):c.473del (p.Asp158ValfsTer17) is a frameshift variant that introduces a premature stop codon after 17 amino acids in exon 5 of 15, which is predicted to trigger nonsense-mediated decay (PVS1, PMID: 36445968). This variant is absent from hemizygous individuals in gnomAD v4.1.2 (PM2_Supporting). At least one proband harboring this variant exhibits a phenotype including genetic testing with a 126-gene panel that did not identify an alternative cause of disease (2 pts), childhood-onset (1 pt), myopia (0.5 pts), reduced visual acuity (0.5 pts), night blindness (0.5 pts), which together are specific for RPGR-related retinopathy (4.5 total points, PMID: 31106028, PMID: 34745198), however, PP4 was not met due to the absence of results about the proband's electroretinogram responses. In summary, this variant is classified as Likely Pathogenic for RPGR-related retinopathy based on the ClinGen X-linked Inherited Retinal Disease Expert Panel Specifications to the ACMG/AMP Variant Interpretation Guidelines for RPGR Version 1.0.0: PVS1 and PM2_Supporting.